The following is an entry in ClinVar:

NM_000051.4(ATM):c.1108dup (p.Tyr370fs)

Gene: ATM (ATM serine/threonine kinase; plus strand). Cytogenetic location: 11q22.3.
Variant type: Duplication.
Coding change: c.1108dup on transcript NM_000051.4 (MANE Select); coding-DNA position 1108, one base duplicated (T; older notation c.1108dupT).
Protein change: p.Tyr370fs; shifts the reading frame from tyrosine 370.
Molecular consequence: frameshift variant.
Genome position (GRCh38, 1-based): chr11:108,248,975, T duplicated; the last of 2 consecutive T bases (chr11:108,248,974-108,248,975); duplicating either gives the same sequence. VCF-style (leftmost placement, unchanged base first): chr11-108248973-C-CT. GRCh37 (hg19) VCF-style: chr11-108119700-C-CT.
Other names: c.1108dup, p.Tyr370fs (NM_001351834.2); short protein forms Y370fs.
Identifiers: ClinVar variation 2127107 (VCV002127107.4), dbSNP rs2497208493, ClinGen allele CA2580083751.

ClinVar aggregate classification (germline): Pathogenic (1 of 4 stars; one submission).

Conditions:
Ataxia-telangiectasia syndrome (AT). Also called: Cerebello-oculocutaneous telangiectasia; Immunodeficiency with ataxia telangiectasia; Ataxia-telangiectasia, complementation group D; Ataxia telangiectasia (A-T); ATAXIA-TELANGIECTASIA, COMPLEMENTATION GROUP A; ATAXIA-TELANGIECTASIA, FRESNO VARIANT. Identifiers: Orphanet 100, MedGen C0004135, MONDO:0008840, OMIM 208900.

Submission:

Labcorp Genetics (formerly Invitae), Labcorp
Classification: Pathogenic for Ataxia-telangiectasia syndrome. Last evaluated: 2022-04-17. Review status: criteria provided, single submitter. Criteria: Invitae Variant Classification Sherloc (09022015). Collection method: clinical testing. Allele origin: germline.
Comment: For these reasons, this variant has been classified as Pathogenic. This variant has not been reported in the literature in individuals affected with ATM-related conditions. This variant is not present in population databases (gnomAD no frequency). This sequence change creates a premature translational stop signal (p.Tyr370Leufs*9) in the ATM gene. It is expected to result in an absent or disrupted protein product. Loss-of-function variants in ATM are known to be pathogenic (PMID: 23807571, 25614872).

Literature cited by the submitters: PubMed 23807571; PubMed 25614872.